The following is an entry in ClinVar:

NM_020232.5(PSMG2):c.634G>C (p.Asp212His)

Gene: PSMG2 (proteasome assembly chaperone 2; plus strand). Cytogenetic location: 18p11.21.
Variant type: single nucleotide variant.
Coding change: c.634G>C on transcript NM_020232.5 (MANE Select); coding-DNA position 634, G replaced by C.
Protein change: p.Asp212His; replaces aspartic acid 212 with histidine.
Molecular consequence: missense variant.
Genome position (GRCh38, 1-based): chr18:12,724,551, G>C. VCF-style: chr18-12724551-G-C. GRCh37 (hg19) VCF-style: chr18-12724550-G-C.
Other names: c.541G>C, p.Asp181His (NM_147163.2); short protein forms D212H, D181H.
Identifiers: ClinVar variation 2805582 (VCV002805582.3), dbSNP rs780141358, ClinGen allele CA8898467.

ClinVar aggregate classification (germline): Uncertain significance (1 of 4 stars; one submission).

Submission:

Labcorp Genetics (formerly Invitae), Labcorp
Classification: Uncertain significance. Last evaluated: 2023-11-19. Review status: criteria provided, single submitter. Criteria: Invitae Variant Classification Sherloc (09022015). Collection method: clinical testing. Allele origin: germline.
Comment: This sequence change replaces aspartic acid, which is acidic and polar, with histidine, which is basic and polar, at codon 212 of the PSMG2 protein (p.Asp212His). This variant is present in population databases (rs780141358, gnomAD 0.0009%). This variant has not been reported in the literature in individuals affected with PSMG2-related conditions. An algorithm developed to predict the effect of missense changes on protein structure and function (PolyPhen-2) suggests that this variant is likely to be disruptive. In summary, the available evidence is currently insufficient to determine the role of this variant in disease. Therefore, it has been classified as a Variant of Uncertain Significance.